The following is an entry in ClinVar:

NM_001165963.4(SCN1A):c.302G>A (p.Arg101Gln)

Gene: SCN1A (sodium voltage-gated channel alpha subunit 1; minus strand). Cytogenetic location: 2q24.3.
Variant type: single nucleotide variant.
Coding change: c.302G>A on transcript NM_001165963.4 (MANE Select); coding-DNA position 302, G replaced by A.
Protein change: p.Arg101Gln; replaces arginine 101 with glutamine.
Molecular consequence: missense variant. On other transcripts: 5 prime UTR variant (1), non-coding transcript variant (1).
Genome position (GRCh38, 1-based): chr2:166,058,651, C>T on the plus strand (G>A on the coding strand, the complement: SCN1A is on the minus strand). VCF-style: chr2-166058651-C-T. GRCh37 (hg19) VCF-style: chr2-166915161-C-T.
Other names: p.R101Q:CGG>CAG; c.302G>A, p.Arg101Gln (NM_001165964.3, NM_001202435.3, NM_001353948.2 and 10 more transcripts); c.-2124G>A (NM_001353961.2); short protein forms R101Q.
Identifiers: ClinVar variation 68528 (VCV000068528.60), dbSNP rs121917918, ClinGen allele CA273119.

ClinVar aggregate classification (germline): Pathogenic. Review status: criteria provided, multiple submitters, no conflicts (2 of 4 stars). 13 submissions from 13 submitters: Pathogenic (12). 1 of the submissions does not count toward it. Last evaluated 2025-07-18.

Conditions:
SCN1A-related disorder. Also called: SCN1A-related conditions; SCN1A-related condition; SCN1A-related disorders.
Early-infantile DEE. Also called: Early infantile epileptic encephalopathy with suppression bursts; Ohtahara syndrome; Early infantile epileptic encephalopathy. Identifiers: Orphanet 1934, MedGen C0393706, MONDO:0800491.
Developmental and epileptic encephalopathy 6B. Also called: Developmental and epileptic encephalopathy 6B, non-Dravet. Identifiers: MedGen C5543353, MONDO:0030268, OMIM 619317.
Severe myoclonic epilepsy in infancy (DRVT). Also called: DEVELOPMENTAL AND EPILEPTIC ENCEPHALOPATHY 6A; Severe Myoclonic Epilepsy in Infancy (SMEI); Dravet syndrome; SEVERE MYOCLONIC EPILEPSY OF INFANCY; Epileptic encephalopathy, early infantile, 6 (Dravet syndrome). Identifiers: Orphanet 33069, MedGen C0751122, MONDO:0100135, OMIM 607208.
Generalized epilepsy with febrile seizures plus, type 2 (GEFSP2). Also called: GEFS+, TYPE 2. Identifiers: Orphanet 36387, MedGen C1858673, MONDO:0011461, OMIM 604403.
Migraine, familial hemiplegic, 3. Identifiers: Orphanet 569, MedGen C1864987, MONDO:0012320, OMIM 609634.

Submissions 1 to 10 of 13:

Institute of Human Genetics, University of Leipzig Medical Center
Classification: Pathogenic for Generalized epilepsy with febrile seizures plus, type 2. Last evaluated: 2025-07-18. Review status: criteria provided, single submitter. Criteria: ACMG Guidelines, 2015. Collection method: clinical testing. Allele origin: unknown. Inheritance: Autosomal dominant inheritance. Affected: yes.
Comment: Criteria applied: PS2_VSTR,PS1,PS4,PM5_STR,PP3_MOD,PM2_SUP

Labcorp Genetics (formerly Invitae), Labcorp
Classification: Pathogenic for Early-infantile DEE. Last evaluated: 2025-03-19. Review status: criteria provided, single submitter. Criteria: Invitae Variant Classification Sherloc (09022015). Collection method: clinical testing. Allele origin: germline.
Comment: This sequence change replaces arginine, which is basic and polar, with glutamine, which is neutral and polar, at codon 101 of the SCN1A protein (p.Arg101Gln). This variant is not present in population databases (gnomAD no frequency). This missense change has been observed in individual(s) with Dravet syndrome (PMID: 14738421, 23195492, 23808377, 24328833, 25986186). In at least one individual the variant was observed to be de novo. ClinVar contains an entry for this variant (Variation ID: 68528). Invitae Evidence Modeling of protein sequence and biophysical properties (such as structural, functional, and spatial information, amino acid conservation, physicochemical variation, residue mobility, and thermodynamic stability) indicates that this missense variant is expected to disrupt SCN1A protein function with a positive predictive value of 95%. Algorithms developed to predict the effect of sequence changes on RNA splicing suggest that this variant may disrupt the consensus splice site. This variant disrupts the p.Arg101 amino acid residue in SCN1A. Other variant(s) that disrupt this residue have been determined to be pathogenic (PMID: 20431604, 23195492). This suggests that this residue is clinically significant, and that variants that disrupt this residue are likely to be disease-causing. For these reasons, this variant has been classified as Pathogenic.

3billion
Classification: Pathogenic for Severe myoclonic epilepsy in infancy. Last evaluated: 2025-02-27. Review status: criteria provided, single submitter. Criteria: ACMG Guidelines, 2015. Collection method: clinical testing. Allele origin: germline. Affected: yes.
Comment: The variant is not observed in the gnomAD v4.1.0 dataset. Predicted Consequence/Location: Missense variant In silico tool predictions suggest damaging effect of the variant on gene or gene product [REVEL: 0.94 (>=0.6, sensitivity 0.68 and specificity 0.92); 3Cnet: 0.99 (> 0.75, sensitivity 0.96 and precision 0.92)]. The same nucleotide change resulting in the same amino acid change has been previously reported as pathogenic/likely pathogenic with strong evidence (ClinVar ID: VCV000068528 /PMID: 14738421 /3billion dataset). The variant has been previously reported as assumed (i.e. paternity and maternity not confirmed) de novo in at least one similarly affected unrelated individual (PMID: 24328833). Different missense changes at the same codon (p.Arg101Leu, p.Arg101Trp) have been reported as pathogenic/likely pathogenic with strong evidence (ClinVar ID: VCV000068527, VCV000448251 /PMID: 17347258). Therefore, this variant is classified as Pathogenic according to the recommendation of ACMG/AMP guideline.

Victorian Clinical Genetics Services, Murdoch Childrens Research Institute
Classification: Pathogenic for Severe myoclonic epilepsy in infancy. Last evaluated: 2022-02-02. Review status: criteria provided, single submitter. Criteria: ACMG Guidelines, 2015. Collection method: clinical testing. Allele origin: germline. Inheritance: Autosomal dominant inheritance. Affected: yes.
Comment: Based on the classification scheme VCGS_Germline_v1.3.4, this variant is classified as Pathogenic. Following criteria are met: 0103 - Loss of function and gain of function are known mechanisms of disease in this gene and are associated with SCN1A-related epilepsy (PMID: 28488083). (I) 0107 - This gene is associated with autosomal dominant disease. (I) 0200 - Variant is predicted to result in a missense amino acid change from arginine to glutamine. (I) 0251 - This variant is heterozygous. (I) 0301 - Variant is absent from gnomAD (both v2 and v3). (SP) 0501 - Missense variant consistently predicted to be damaging by multiple in silico tools or highly conserved with a major amino acid change. (SP) 0604 - Variant is not located in an established domain, motif, hotspot or informative constraint region. (I) 0702 - Other missense variants comparable to the one identified in this case have strong previous evidence for pathogenicity. Alternative changes to tryptophan and leucine have been previously reported as pathogenic (ClinVar). (SP) 0801 - This variant has strong previous evidence of pathogenicity in unrelated individuals. This variant has been reported as de novo or to have been inherited from a mosaic parent, in multiple individuals with Dravet syndrome (PMID: 23808377, 23195492, 24328833, 22071555, 25986186). This variant is reported as pathogenic in ClinVar. (SP) 1208 - Inheritance information for this variant is not currently available in this individual. (I) Legend: (SP) - Supporting pathogenic, (I) - Information, (SB) - Supporting benign

Blueprint Genetics
Classification: Pathogenic for SCN1A-related disorders. Last evaluated: 2021-09-09. Review status: criteria provided, single submitter. Criteria: ACMG Guidelines, 2015. Collection method: clinical testing. Allele origin: germline. Affected: yes. Observed: 2 variant alleles.

GeneDx
Classification: Pathogenic. Last evaluated: 2021-03-17. Review status: criteria provided, single submitter. Criteria: GeneDx Variant Classification Process June 2021. Collection method: clinical testing. Allele origin: germline. Affected: yes.
Comment: Missense variants in this gene are often considered pathogenic (Stenson et al., 2014); This substitution is predicted to be within the N-terminal cytoplasmic domain.; Not observed in large population cohorts (Lek et al., 2016); In silico analysis supports that this missense variant has a deleterious effect on protein structure/function; This variant is associated with the following publications: (PMID: 27465585, 25885068, 24328833, 23195492, 23808377, 23158734, 14738421, 15508916, 15277629, 17347258, 17561957, 18930999, 29056246, 30945278, 32090326)

Centre for Mendelian Genomics, University Medical Centre Ljubljana
Classification: Pathogenic for Migraine, familial hemiplegic, 3. Last evaluated: 2019-05-07. Review status: criteria provided, single submitter. Criteria: ACMG Guidelines, 2015. Collection method: clinical testing. Allele origin: unknown. Affected: yes.
Comment: This variant was classified as: Pathogenic. The following ACMG criteria were applied in classifying this variant: PS1,PM2,PP3,PM1,PP2.

CeGaT Center for Human Genetics Tuebingen
Classification: Pathogenic. Last evaluated: 2017-06-01. Review status: criteria provided, single submitter. Criteria: CeGaT Center For Human Genetics Tuebingen Variant Classification Criteria Version 2. Collection method: clinical testing. Allele origin: germline. Affected: yes. Observed: 1 variant allele.

Eurofins Ntd Llc (ga)
Classification: Pathogenic. Last evaluated: 2015-09-11. Review status: criteria provided, single submitter. Criteria: EGL Classification Definitions 2015. Collection method: clinical testing. Allele origin: germline. Observed: 2 variant alleles, 2 heterozygotes.

Center for Bioinformatics, Peking University
Classification: Pathogenic for Dravet syndrome. Last evaluated: 2014-12-20. Review status: criteria provided, single submitter. Criteria: Xu et al. (Hum Mutat. 2015). Collection method: research. Allele origin: inherited. Affected: yes. Observed: 3 variant alleles. Study: University Clinical Cooperation “985 Project” PKU-2014-1-1.
Comment: Dravet syndrome (DS) probands were recruited from the outpatient and inpatient child neurology units of Peking University First Hospital from 2005 till present. The study was approved by the Ethics Committee of Peking University First Hospital and the Institutional Review Board at Peking University. Participants or their parents provided written informed consent before enrollment. We collected a total of 267 mutations from 255 families with probands diagnosed with DS in China. All probands fulfilled the clinical diagnostic criteria.